The following is an entry in ClinVar:

NM_002181.4(IHH):c.1091del (p.Leu364fs)

Gene: IHH (Indian hedgehog signaling molecule; minus strand). Cytogenetic location: 2q35.
Variant type: Deletion.
Coding change: c.1091del on transcript NM_002181.4 (MANE Select); coding-DNA position 1091, one base deleted (T; older notation c.1091delT).
Protein change: p.Leu364fs; shifts the reading frame from leucine 364.
Molecular consequence: frameshift variant.
Genome position (GRCh38, 1-based): chr2:219,055,352, A deleted on the plus strand (T on the coding strand, the reverse complement: IHH is on the minus strand). VCF-style (leftmost placement, unchanged base first): chr2-219055351-CA-C. GRCh37 (hg19) VCF-style: chr2-219920073-CA-C.
Other names: short protein forms L364fs.
Identifiers: ClinVar variation 1309374 (VCV001309374.3), dbSNP rs2106306966, ClinGen allele CA2573051860.
Genomic context (GRCh38, chr2:219,055,351, plus strand): 5'-GTACCAATGCACACCCTCCCCCGGAGTCCAGCTGCCCCATGCCAAGCTGTGAAAGAGTCT[CA>C]GGGGCCAGAAGGCCAACTGAGCCAGGTGGTGGTCAGCCACGGCCGCGAAGCAGGATGCCA-3'

ClinVar aggregate classification (germline): Uncertain significance (1 of 4 stars; one submission).

Submission:

GeneDx
Classification: Uncertain significance. Last evaluated: 2025-09-26. Review status: criteria provided, single submitter. Criteria: GeneDx Variant Classification Process June 2021. Collection method: clinical testing. Allele origin: germline. Affected: yes.
Comment: Has not been previously published as pathogenic or benign to our knowledge; Frameshift variant predicted to result in abnormal protein length as the last 48 amino acid(s) are replaced with 32 different amino acid(s); Not observed at significant frequency in large population cohorts (gnomAD)